The following is an entry in ClinVar:

NM_201384.3(PLEC):c.9185C>T (p.Ala3062Val)

Gene: PLEC (plectin; minus strand). Cytogenetic location: 8q24.3.
Variant type: single nucleotide variant.
Coding change: c.9185C>T on transcript NM_201384.3 (MANE Select); coding-DNA position 9185, C replaced by T.
Protein change: p.Ala3062Val; replaces alanine 3062 with valine.
Molecular consequence: missense variant.
Genome position (GRCh38, 1-based): chr8:143,920,636, G>A on the plus strand (C>T on the coding strand, the complement: PLEC is on the minus strand). VCF-style: chr8-143920636-G-A. GRCh37 (hg19) VCF-style: chr8-144994804-G-A.
Other names: c.9266C>T, p.Ala3089Val (NM_000445.5); c.9143C>T, p.Ala3048Val (NM_201378.4); c.9119C>T, p.Ala3040Val (NM_201379.3); c.9596C>T, p.Ala3199Val (NM_201380.4); c.9089C>T, p.Ala3030Val (NM_201381.3); c.9185C>T, p.Ala3062Val (NM_201382.4); c.9197C>T, p.Ala3066Val (NM_201383.3); short protein forms A3030V, A3048V, A3040V, A3199V, A3066V, A3062V, A3089V.
Identifiers: ClinVar variation 842783 (VCV000842783.10), dbSNP rs1260145171, ClinGen allele CA372513450.
Genomic context (GRCh38, chr8:143,920,636, plus strand): 5'-ACTGCCTCGTCCACGGTCAGCCGGGCGCTGGTGGCGGGGTCGATGATGTGCCCGGTGCCG[G>A]CCTGGGCTTCCAACAGGGCCACGGCCATGTCGGATGGCAGCAGGTCTTTCTTCAGGGCAT-3'
Protein context (NP_958786.1, residues 3052-3072): DMAVALLEAQ[Ala3062Val]GTGHIIDPAT

ClinVar aggregate classification (germline): Uncertain significance (1 of 4 stars; one submission).

Conditions:
Epidermolysis bullosa simplex 5C, with pyloric atresia (EBS5C). Also called: PLEC1-Related Epidermolysis Bullosa with Pyloric Atresia; Epidermolysis bullosa simplex with pyloric atresia; PLEC-Related Epidermolysis Bullosa with Pyloric Atresia. Identifiers: Orphanet 158684, MedGen C2677349, MONDO:0012807, OMIM 612138.
Autosomal recessive limb-girdle muscular dystrophy type 2Q (LGMDR17). Also called: MUSCULAR DYSTROPHY, LIMB-GIRDLE, AUTOSOMAL RECESSIVE 17. Identifiers: Orphanet 254361, MedGen C3150989, MONDO:0013390, OMIM 613723.
Epidermolysis bullosa simplex with nail dystrophy (EBS5D). Identifiers: MedGen C4225309, MONDO:0014661, OMIM 616487.
Epidermolysis bullosa simplex 5B, with muscular dystrophy (EBS5B). Also called: Epidermolysis bullosa simplex with muscular dystrophy; EPIDERMOLYSIS BULLOSA SIMPLEX AND LIMB-GIRDLE MUSCULAR DYSTROPHY. Identifiers: Orphanet 257, MedGen C2931072, MONDO:0009181, OMIM 226670.
Epidermolysis bullosa simplex, Ogna type (EBS5A). Also called: EPIDERMOLYSIS BULLOSA SIMPLEX 5A, OGNA TYPE; Pidermolysis bullosa simplex 5A, Ogna type. Identifiers: Orphanet 79401, MedGen C0432317, MONDO:0007555, OMIM 131950.

Allele frequency attached by ClinVar (database versions not stated): TOPMed below 0.00001; gnomAD 0.00001.
gnomAD v4.1: 1 of 1,605,798 alleles (0.000062%); highest among the groups gnomAD compares: Admixed American, 0.0017%; no homozygotes.

Submission:

Labcorp Genetics (formerly Invitae), Labcorp
Classification: Uncertain significance for Autosomal recessive limb-girdle muscular dystrophy type 2Q; Epidermolysis bullosa simplex, Ogna type; Epidermolysis bullosa simplex with nail dystrophy; Epidermolysis bullosa simplex 5C, with pyloric atresia; Epidermolysis bullosa simplex 5B, with muscular dystrophy. Last evaluated: 2022-08-16. Review status: criteria provided, single submitter. Criteria: Invitae Variant Classification Sherloc (09022015). Collection method: clinical testing. Allele origin: germline.
Comment: In summary, the available evidence is currently insufficient to determine the role of this variant in disease. Therefore, it has been classified as a Variant of Uncertain Significance. Algorithms developed to predict the effect of sequence changes on RNA splicing suggest that this variant may create or strengthen a splice site. Algorithms developed to predict the effect of missense changes on protein structure and function (SIFT, PolyPhen-2, Align-GVGD) all suggest that this variant is likely to be disruptive. ClinVar contains an entry for this variant (Variation ID: 842783). This variant has not been reported in the literature in individuals affected with PLEC-related conditions. This variant is not present in population databases (gnomAD no frequency). This sequence change replaces alanine, which is neutral and non-polar, with valine, which is neutral and non-polar, at codon 3089 of the PLEC protein (p.Ala3089Val).